The following is an entry in ClinVar:

NM_000054.7(AVPR2):c.107T>C (p.Leu36Pro)

Gene: AVPR2 (arginine vasopressin receptor 2; plus strand). Cytogenetic location: Xq28.
Variant type: single nucleotide variant.
Coding change: c.107T>C on transcript NM_000054.7 (MANE Select); coding-DNA position 107, T replaced by C.
Protein change: p.Leu36Pro; replaces leucine 36 with proline.
Molecular consequence: missense variant.
Genome position (GRCh38, 1-based): chrX:153,905,613, T>C. VCF-style: chrX-153905613-T-C. GRCh37 (hg19) VCF-style: chrX-153171067-T-C.
Other names: c.107T>C, p.Leu36Pro (NM_001146151.3); short protein forms L36P.
Identifiers: ClinVar variation 1352742 (VCV001352742.6), dbSNP rs2148514200, ClinGen allele CA415103388.

ClinVar aggregate classification (germline): Uncertain significance (1 of 4 stars; one submission).

Submission:

Labcorp Genetics (formerly Invitae), Labcorp
Classification: Uncertain significance. Last evaluated: 2022-06-05. Review status: criteria provided, single submitter. Criteria: Invitae Variant Classification Sherloc (09022015). Collection method: clinical testing. Allele origin: germline.
Comment: In summary, the available evidence is currently insufficient to determine the role of this variant in disease. Therefore, it has been classified as a Variant of Uncertain Significance. This sequence change replaces leucine, which is neutral and non-polar, with proline, which is neutral and non-polar, at codon 36 of the AVPR2 protein (p.Leu36Pro). Algorithms developed to predict the effect of sequence changes on RNA splicing suggest that this variant may create or strengthen a splice site. Algorithms developed to predict the effect of missense changes on protein structure and function are either unavailable or do not agree on the potential impact of this missense change (SIFT: "Deleterious"; PolyPhen-2: "Probably Damaging"; Align-GVGD: "Class C0"). ClinVar contains an entry for this variant (Variation ID: 1352742). This variant has not been reported in the literature in individuals affected with AVPR2-related conditions. This variant is not present in population databases (gnomAD no frequency).